The following is an entry in ClinVar:

ClinVar aggregate classification (germline): Likely benign (1 of 4 stars; one submission).

Submission:

CeGaT Center for Human Genetics Tuebingen
Classification: Likely benign. Last evaluated: 2022-04-01. Review status: criteria provided, single submitter. Criteria: CeGaT Center For Human Genetics Tuebingen Variant Classification Criteria Version 2. Collection method: clinical testing. Allele origin: germline. Affected: yes. Observed: 1 variant allele.
Comment: GLUD2: PM2:Supporting, BP4, BP7

NM_012084.4(GLUD2):c.786A>G (p.Gln262=)

Gene: GLUD2 (glutamate dehydrogenase 2; plus strand). Cytogenetic location: Xq24.
Variant type: single nucleotide variant.
Coding change: c.786A>G on transcript NM_012084.4 (MANE Select); coding-DNA position 786, A replaced by G.
Protein change: p.Gln262=; no amino-acid change (glutamine 262 retained).
Molecular consequence: synonymous variant.
Genome position (GRCh38, 1-based): chrX:121,048,470, A>G. VCF-style: chrX-121048470-A-G. GRCh37 (hg19) VCF-style: chrX-120182324-A-G.
Identifiers: ClinVar variation 2661341 (VCV002661341.24), dbSNP rs2521651358, ClinGen allele CA518461313.